The following is an entry in ClinVar:

ClinVar aggregate classification (germline): Uncertain significance (1 of 4 stars; one submission).

Submission:

GeneDx
Classification: Uncertain significance. Last evaluated: 2025-06-01. Review status: criteria provided, single submitter. Criteria: GeneDx Variant Classification Process June 2021. Collection method: clinical testing. Allele origin: germline. Affected: yes.
Comment: Not observed at significant frequency in large population cohorts (gnomAD); In silico analysis suggests that this missense variant does not alter protein structure/function; Has not been previously published as pathogenic or benign to our knowledge

NM_017827.4(SARS2):c.303G>C (p.Glu101Asp)

Gene: SARS2 (seryl-tRNA synthetase 2, mitochondrial; minus strand). Cytogenetic location: 19q13.2.
Variant type: single nucleotide variant.
Coding change: c.303G>C on transcript NM_017827.4 (MANE Select); coding-DNA position 303, G replaced by C.
Protein change: p.Glu101Asp; replaces glutamic acid 101 with aspartic acid.
Molecular consequence: missense variant.
Genome position (GRCh38, 1-based): chr19:38,926,265, C>G on the plus strand (G>C on the coding strand, the complement: SARS2 is on the minus strand). VCF-style: chr19-38926265-C-G. GRCh37 (hg19) VCF-style: chr19-39416905-C-G.
Other names: c.303G>C, p.Glu101Asp (NM_001145901.2); short protein forms E101D.
Identifiers: ClinVar variation 4532610 (VCV004532610.1).
Genomic context (GRCh38, chr19:38,926,265, plus strand): 5'-CAGCAGGGCCCGCACTGCCTCAGTCACAGCTGCCTTCTCTTCCTCCAGGCTCCGGATCTG[C>G]TCCTGCAGCTGCCTCAGCTCCTGCCATGTCGAGATCTGGGGTGGATATAAGAGAAAAGGA-3'
Protein context (NP_060297.1, residues 91-111): STWQELRQLQ[Glu101Asp]QIRSLEEEKA